The following is an entry in ClinVar:

NM_006206.6(PDGFRA):c.760-15C>T

Gene: PDGFRA (platelet derived growth factor receptor alpha; plus strand). Cytogenetic location: 4q12.
Variant type: single nucleotide variant.
Coding change: c.760-15C>T on transcript NM_006206.6 (MANE Select); 15 bases into the intron before coding-DNA position 760, C replaced by T.
Molecular consequence: intron variant.
Genome position (GRCh38, 1-based): chr4:54,267,274, C>T. VCF-style: chr4-54267274-C-T. GRCh37 (hg19) VCF-style: chr4-55133441-C-T.
Other names: c.835-15C>T (NM_001347828.2); c.760-15C>T (NM_001347827.2, NM_001347829.2); c.799-15C>T (NM_001347830.2).
Identifiers: ClinVar variation 2740211 (VCV002740211.4), dbSNP rs1485858089, ClinGen allele CA551651532.
Genomic context (GRCh38, chr4:54,267,274, plus strand): 5'-GTCCATAGTTTATCTTAGAGTTCACTCCTAGGAGCGAGCTTTTTAAAAGTCGGTTTTCTT[C>T]CCCTTTTGCTGTAGAAAGGCAAAGGCATCACAATGCTGGAAGAAATCAAAGTCCCATCCA-3'

ClinVar aggregate classification (germline): Likely benign. Review status: criteria provided, multiple submitters, no conflicts (2 of 4 stars). 2 submissions from 2 submitters: Likely benign (2). Last evaluated 2026-06-12.

Conditions:
Gastrointestinal stromal tumor. Also called: Gastrointestinal stromal tumor, somatic; Gastrointestinal stroma tumor. Identifiers: Orphanet 44890, MedGen C0238198, MeSH D046152, MONDO:0011719, OMIM 606764, HP:0100723.
Polyps, multiple and recurrent inflammatory fibroid, gastrointestinal. Identifiers: MedGen C5193005, MONDO:0008285, OMIM 175510.

Allele frequency attached by ClinVar (database versions not stated): gnomAD exomes below 0.00001.
gnomAD v4.1: 4 of 1,613,880 alleles (0.00025%); highest among the groups gnomAD compares: Middle Eastern, 0.017%; no homozygotes.

Submissions (2):

Myriad Genetics, Inc.
Classification: Likely benign for Polyps, multiple and recurrent inflammatory fibroid, gastrointestinal. Last evaluated: 2026-06-12. Review status: criteria provided, single submitter. Criteria: Myriad Autosomal Dominant, Autosomal Recessive and X-Linked Classification Criteria (2023). Collection method: clinical testing. Allele origin: unknown.
Comment: This variant is considered likely benign. This variant is intronic and is not expected to impact mRNA splicing.

Labcorp Genetics (formerly Invitae), Labcorp
Classification: Likely benign for Gastrointestinal stromal tumor. Last evaluated: 2023-09-12. Review status: criteria provided, single submitter. Criteria: Invitae Variant Classification Sherloc (09022015). Collection method: clinical testing. Allele origin: germline.